The following is an entry in ClinVar:

ClinVar aggregate classification (germline): Uncertain significance. Review status: criteria provided, multiple submitters, no conflicts (2 of 4 stars). 3 submissions from 3 submitters: Uncertain significance (3). Last evaluated 2025-03-16.

Conditions:
Charcot-Marie-Tooth disease type 2. Also called: Charcot-Marie-Tooth type 2. Identifiers: Orphanet 64746, MedGen C0270914, MONDO:0018993.
Inborn genetic diseases. Identifiers: MedGen C0950123, MeSH D030342.

Allele frequency attached by ClinVar (database versions not stated): gnomAD 0.00001; gnomAD exomes 0.00001 and 0.00002; ExAC 0.00002; TOPMed 0.00001.
gnomAD v4.1: 13 of 1,614,032 alleles (0.00081%); highest among the groups gnomAD compares: African/African-American, 0.008%; no homozygotes.

Submissions (3):

Labcorp Genetics (formerly Invitae), Labcorp
Classification: Uncertain significance for Charcot-Marie-Tooth disease type 2. Last evaluated: 2025-03-16. Review status: criteria provided, single submitter. Criteria: Invitae Variant Classification Sherloc (09022015). Collection method: clinical testing. Allele origin: germline.
Comment: This sequence change replaces arginine, which is basic and polar, with cysteine, which is neutral and slightly polar, at codon 440 of the MFN2 protein (p.Arg440Cys). This variant is present in population databases (rs756110507, gnomAD 0.02%). This variant has not been reported in the literature in individuals affected with MFN2-related conditions. ClinVar contains an entry for this variant (Variation ID: 447718). Invitae Evidence Modeling of protein sequence and biophysical properties (such as structural, functional, and spatial information, amino acid conservation, physicochemical variation, residue mobility, and thermodynamic stability) has been performed for this missense variant. However, the output from this modeling did not meet the statistical confidence thresholds required to predict the impact of this variant on MFN2 protein function. In summary, the available evidence is currently insufficient to determine the role of this variant in disease. Therefore, it has been classified as a Variant of Uncertain Significance.

Ambry Genetics
Classification: Uncertain significance for Inborn genetic diseases. Last evaluated: 2019-11-06. Review status: criteria provided, single submitter. Criteria: Ambry Variant Classification Scheme 2023. Collection method: clinical testing. Allele origin: germline.
Comment: The p.R440C variant (also known as c.1318C>T), located in coding exon 11 of the MFN2 gene, results from a C to T substitution at nucleotide position 1318. The arginine at codon 440 is replaced by cysteine, an amino acid with highly dissimilar properties. This amino acid position is highly conserved in available vertebrate species. In addition, this alteration is predicted to be deleterious by in silico analysis. Since supporting evidence is limited at this time, the clinical significance of this alteration remains unclear.

Athena Diagnostics
Classification: Uncertain significance. Last evaluated: 2017-06-14. Review status: criteria provided, single submitter. Criteria: Athena Diagnostics Criteria. Collection method: clinical testing. Allele origin: germline.

NM_014874.4(MFN2):c.1318C>T (p.Arg440Cys)

Gene: MFN2 (mitofusin 2; plus strand). Cytogenetic location: 1p36.22.
Variant type: single nucleotide variant.
Coding change: c.1318C>T on transcript NM_014874.4 (MANE Select); coding-DNA position 1318, C replaced by T.
Protein change: p.Arg440Cys; replaces arginine 440 with cysteine.
Molecular consequence: missense variant.
Genome position (GRCh38, 1-based): chr1:12,004,539, C>T. VCF-style: chr1-12004539-C-T. GRCh37 (hg19) VCF-style: chr1-12064596-C-T.
Other names: c.1318C>T, p.Arg440Cys (NM_001127660.2); short protein forms R440C.
Identifiers: ClinVar variation 447718 (VCV000447718.9), dbSNP rs756110507, ClinGen allele CA599090.
Genomic context (GRCh38, chr1:12,004,539, plus strand): 5'-TACTTAACAGTGTGCTTCCTTTTGCTGTAGGTGTCGACTGCAATGGCCGAGGAGATCAGG[C>T]GCCTCTCTGTACTGGTGGACGATTACCAGATGGACTTCCACCCTTCTCCAGTAGTCCTCA-3'
Protein context (NP_055689.1, residues 430-450): VSTAMAEEIR[Arg440Cys]LSVLVDDYQM